The following is an entry in ClinVar:

ClinVar aggregate classification (germline): Likely benign. Review status: criteria provided, multiple submitters, no conflicts (2 of 4 stars). 2 submissions from 2 submitters: Likely benign (2). Last evaluated 2025-11-17.

Conditions:
Familial hemiplegic migraine. Identifiers: MedGen C0338484, MONDO:0000700.

Allele frequency attached by ClinVar (database versions not stated): gnomAD exomes 0.00001 and 0.00003; TOPMed 0.00002; ExAC 0.00004.
gnomAD v4.1: 8 of 1,614,246 alleles (0.0005%); highest among the groups gnomAD compares: Admixed American, 0.013%; no homozygotes.

Submissions (2):

Labcorp Genetics (formerly Invitae), Labcorp
Classification: Likely benign for Familial hemiplegic migraine. Last evaluated: 2025-11-17. Review status: criteria provided, single submitter. Criteria: Invitae Variant Classification Sherloc (09022015). Collection method: clinical testing. Allele origin: germline.

GeneDx
Classification: Likely benign. Last evaluated: 2018-01-15. Review status: criteria provided, single submitter. Criteria: GeneDx Variant Classification (06012015). Collection method: clinical testing. Allele origin: germline. Affected: yes.
Comment: This variant is considered likely benign or benign based on one or more of the following criteria: it is a conservative change, it occurs at a poorly conserved position in the protein, it is predicted to be benign by multiple in silico algorithms, and/or has population frequency not consistent with disease.

NM_000702.4(ATP1A2):c.2710-19C>G

Gene: ATP1A2 (ATPase Na+/K+ transporting subunit alpha 2; plus strand). Cytogenetic location: 1q23.2.
Variant type: single nucleotide variant.
Coding change: c.2710-19C>G on transcript NM_000702.4 (MANE Select); 19 bases into the intron before coding-DNA position 2710, C replaced by G.
Molecular consequence: intron variant.
Genome position (GRCh38, 1-based): chr1:160,136,882, C>G. VCF-style: chr1-160136882-C-G. GRCh37 (hg19) VCF-style: chr1-160106672-C-G.
Identifiers: ClinVar variation 516499 (VCV000516499.8), dbSNP rs757662486, ClinGen allele CA1194828.